The following is an entry in ClinVar:

NM_145064.3(STAC3):c.816_817del (p.Lys273fs)

Gene: STAC3 (SH3 and cysteine rich domain 3; minus strand). Cytogenetic location: 12q13.3.
Variant type: Microsatellite.
Coding change: c.816_817del on transcript NM_145064.3 (MANE Select); coding-DNA positions 816 to 817, 2 bases deleted (GA; older notation c.816_817delGA).
Protein change: p.Lys273fs; shifts the reading frame from lysine 273.
Molecular consequence: frameshift variant. On other transcripts: non-coding transcript variant (1).
Genome position (GRCh38, 1-based): chr12:57,244,356-57,244,357, TC deleted on the plus strand (GA on the coding strand, the reverse complement: STAC3 is on the minus strand); deleting any 2 consecutive bases within chr12:57,244,356-57,244,361 gives the same sequence; the c. name uses the placement nearest the transcript's 3' end. VCF-style (leftmost placement, unchanged base first): chr12-57244355-TTC-T. GRCh37 (hg19) VCF-style: chr12-57638138-TTC-T.
Other names: p.Lys273Aspfs*5; c.699_700del, p.Lys234fs (NM_001286256.2); c.258_259del, p.Lys87fs (NM_001286257.2); short protein forms K273fs, K87fs, K234fs.
Identifiers: ClinVar variation 2908864 (VCV002908864.6), dbSNP rs1269908637, ClinGen allele CA605704710.

ClinVar aggregate classification (germline): Pathogenic/Likely pathogenic. Review status: criteria provided, multiple submitters, no conflicts (2 of 4 stars). 4 submissions from 4 submitters: Pathogenic (2); Likely pathogenic (2). Last evaluated 2026-01-06.

Conditions:
STAC3-related disorder. Also called: STAC3-related condition.
Bailey-Bloch congenital myopathy (CMYO13). Also called: Congenital myopathy 13; STAC3 disorder; Native American myopathy. Identifiers: Orphanet 168572, MedGen C1850625, MONDO:0009722, OMIM 255995.

Submissions (4):

3billion
Classification: Pathogenic for Bailey-Bloch congenital myopathy. Last evaluated: 2026-01-06. Review status: criteria provided, single submitter. Criteria: ACMG Guidelines, 2015. Collection method: clinical testing. Allele origin: germline. Affected: yes.
Comment: The variant is observed at an extremely low frequency in the gnomAD v4.1.0 dataset (total allele frequency: <0.001%). Predicted Consequence/Location: Frameshift: predicted to result in a loss or disruption of normal protein function through nonsense-mediated decay (NMD) or protein truncation. Multiple pathogenic variants are reported downstream of the variant. The variant has been reported at least twice as pathogenic without evidence for the classification (ClinVar ID: VCV002908864). Therefore, this variant is classified as Pathogenic according to the recommendation of ACMG/AMP guideline.

Labcorp Genetics (formerly Invitae), Labcorp
Classification: Pathogenic for Bailey-Bloch congenital myopathy. Last evaluated: 2024-06-24. Review status: criteria provided, single submitter. Criteria: Invitae Variant Classification Sherloc (09022015). Collection method: clinical testing. Allele origin: germline.
Comment: This sequence change creates a premature translational stop signal (p.Lys273Aspfs*5) in the STAC3 gene. It is expected to result in an absent or disrupted protein product. Loss-of-function variants in STAC3 are known to be pathogenic (PMID: 28411587, 28777491). This variant is present in population databases (no rsID available, gnomAD 0.002%). This variant has not been reported in the literature in individuals affected with STAC3-related conditions. For these reasons, this variant has been classified as Pathogenic.

Mayo Clinic Laboratories, Mayo Clinic
Classification: Likely pathogenic. Last evaluated: 2024-02-29. Review status: criteria provided, single submitter. Criteria: ACMG Guidelines, 2015. Collection method: clinical testing. Allele origin: germline. Observed: 1 variant allele.
Comment: PM2, PVS1

Blueprint Genetics
Classification: Likely pathogenic for STAC3-related disorders. Last evaluated: 2022-03-14. Review status: criteria provided, single submitter. Criteria: ACMG Guidelines, 2015. Collection method: clinical testing. Allele origin: germline. Affected: yes. Observed: 1 variant allele.

Literature cited by the submitters: PubMed 28411587 (cited by Labcorp Genetics (formerly Invitae), Labcorp); PubMed 28777491 (cited by Labcorp Genetics (formerly Invitae), Labcorp).